The following is an entry in ClinVar:

ClinVar aggregate classification (germline): Benign/Likely benign. Review status: criteria provided, multiple submitters, no conflicts (2 of 4 stars). 5 submissions from 5 submitters: Benign (1); Likely benign (4). Last evaluated 2026-02-01.

Conditions:
Inborn genetic diseases. Identifiers: MedGen C0950123, MeSH D030342.

Allele frequency attached by ClinVar (database versions not stated): gnomAD exomes 0.00005; ExAC 0.00007; 1000 Genomes Project 30x 0.00062; gnomAD 0.00063 and 0.00065.

Submissions (5):

Labcorp Genetics (formerly Invitae), Labcorp
Classification: Likely benign. Last evaluated: 2026-02-01. Review status: criteria provided, single submitter. Criteria: Invitae Variant Classification Sherloc (09022015). Collection method: clinical testing. Allele origin: germline.

Women's Health and Genetics/Laboratory Corporation of America, LabCorp
Classification: Likely benign. Last evaluated: 2025-02-25. Review status: criteria provided, single submitter. Criteria: LabCorp Variant Classification Summary - May 2015. Collection method: clinical testing. Allele origin: germline.
Comment: Variant summary: NEFH c.2141A>C (p.Glu714Ala) results in a non-conservative amino acid change in the encoded protein sequence. Two of four in-silico tools predict a benign effect of the variant on protein function. The variant allele was found at a frequency of 5.2e-05 in 248408 control chromosomes, predominantly at a frequency of 0.00074 within the African or African-American subpopulation in the gnomAD database. The observed variant frequency within African or African-American control individuals in the gnomAD database is approximately 1184 fold of the estimated maximal expected allele frequency for a pathogenic variant in NEFH causing Charcot-Marie-Tooth disease axonal type 2CC phenotype (6.3e-07). To our knowledge, no occurrence of c.2141A>C in individuals affected with Charcot-Marie-Tooth disease axonal type 2CC and no experimental evidence demonstrating its impact on protein function have been reported. ClinVar contains an entry for this variant (Variation ID: 712284). Based on the evidence outlined above, the variant was classified as likely benign.

Ambry Genetics
Classification: Benign for Inborn genetic diseases. Last evaluated: 2021-08-27. Review status: criteria provided, single submitter. Criteria: Ambry Variant Classification Scheme 2023. Collection method: clinical testing. Allele origin: germline.

GeneDx
Classification: Likely benign. Last evaluated: 2021-05-04. Review status: criteria provided, single submitter. Criteria: GeneDx Variant Classification Process June 2021. Collection method: clinical testing. Allele origin: germline. Affected: yes.
Comment: In silico analysis supports that this missense variant does not alter protein structure/function; Has not been previously published as pathogenic or benign to our knowledge

Breakthrough Genomics
Classification: Likely benign. Review status: criteria provided, single submitter. Criteria: ACMG Guidelines, 2015. Collection method: not provided. Allele origin: germline. Inheritance: Autosomal recessive inheritance. Affected: yes.

NM_021076.4(NEFH):c.2141A>C (p.Glu714Ala)

Gene: NEFH (neurofilament heavy chain; plus strand). Cytogenetic location: 22q12.2.
Variant type: single nucleotide variant.
Coding change: c.2141A>C on transcript NM_021076.4 (MANE Select); coding-DNA position 2141, A replaced by C.
Protein change: p.Glu714Ala; replaces glutamic acid 714 with alanine.
Molecular consequence: missense variant.
Genome position (GRCh38, 1-based): chr22:29,489,781, A>C. VCF-style: chr22-29489781-A-C. GRCh37 (hg19) VCF-style: chr22-29885770-A-C.
Other names: short protein forms E714A.
Identifiers: ClinVar variation 712284 (VCV000712284.15), dbSNP rs139600064, ClinGen allele CA10174365.